The following is an entry in ClinVar:

NM_017514.5(PLXNA3):c.119G>A (p.Arg40Gln)

Gene: PLXNA3 (plexin A3; plus strand). Cytogenetic location: Xq28.
Variant type: single nucleotide variant.
Coding change: c.119G>A on transcript NM_017514.5 (MANE Select); coding-DNA position 119, G replaced by A.
Protein change: p.Arg40Gln; replaces arginine 40 with glutamine.
Molecular consequence: missense variant.
Genome position (GRCh38, 1-based): chrX:154,460,302, G>A. VCF-style: chrX-154460302-G-A. GRCh37 (hg19) VCF-style: chrX-153688642-G-A.
Other names: c.119G>A (NM_017514.3); short protein forms R40Q.
Identifiers: ClinVar variation 2632133 (VCV002632133.5), dbSNP rs782808493, ClinGen allele CA10563598.

ClinVar aggregate classification (germline): Conflicting classifications of pathogenicity. Review status: criteria provided, conflicting classifications (1 of 4 stars). 2 submissions from 2 submitters: Uncertain significance (1); Likely benign (1). Last evaluated 2026-04-27.

Conditions:
PLXNA3-related disorder. Also called: PLXNA3-related condition.

Allele frequency attached by ClinVar (database versions not stated): ExAC 0.00001; gnomAD 0.00005; TOPMed 0.00006.

Submissions (2):

PreventionGenetics, part of Exact Sciences
Classification: Likely benign for PLXNA3-related condition. Last evaluated: 2026-04-27. Review status: criteria provided, single submitter. Criteria: ACMG Guidelines, 2015. Collection method: clinical testing. Allele origin: germline.
Comment: This variant is classified as likely benign based on ACMG/AMP sequence variant interpretation guidelines (Richards et al. 2015 PMID: 25741868, with internal and published modifications).

Ambry Genetics
Classification: Uncertain significance. Last evaluated: 2025-06-17. Review status: criteria provided, single submitter. Criteria: Ambry Variant Classification Scheme 2023. Collection method: clinical testing. Allele origin: germline.